The following is an entry in ClinVar:

ClinVar aggregate classification (germline): Likely benign (1 of 4 stars; one submission).

Conditions:
Coffin-Siris syndrome 1 (CSS1). Also called: Mental retardation, autosomal dominant 12; ARID1B-Related Coffin-Siris Syndrome. Identifiers: Orphanet 1465, MedGen C3281201, MONDO:0007617, OMIM 135900. Disease mechanism: gain of function.

Submission:

Dr. med. U. Finckh, Human Genetics, Eurofins MVZ
Classification: Likely benign for Coffin-Siris syndrome 1. Last evaluated: 2021-03-22. Review status: criteria provided, single submitter. Criteria: ACMG Guidelines, 2015. Collection method: clinical testing. Allele origin: maternal. Affected: no. Observed: 1 heterozygote.
Comment: The variant is not present in gnomAD. We therefore classify it as likely benign.

NM_001374828.1(ARID1B):c.5323A>G (p.Thr1775Ala)

Gene: ARID1B (AT-rich interaction domain 1B; plus strand). Cytogenetic location: 6q25.3.
Variant type: single nucleotide variant.
Coding change: c.5323A>G on transcript NM_001374828.1 (MANE Select); coding-DNA position 5323, A replaced by G.
Protein change: p.Thr1775Ala; replaces threonine 1775 with alanine.
Molecular consequence: missense variant.
Genome position (GRCh38, 1-based): chr6:157,203,925, A>G. VCF-style: chr6-157203925-A-G. GRCh37 (hg19) VCF-style: chr6-157525059-A-G.
Other names: c.2824A>G, p.Thr942Ala (NM_001363725.2); c.5203A>G, p.Thr1735Ala (NM_001371656.1, NM_001374820.1); c.5164A>G, p.Thr1722Ala (NM_017519.3); c.4954A>G, p.Thr1652Ala (NM_020732.3); c.4741A>G, p.Thr1581Ala (NM_175863.2); c.5074A>G, p.Thr1692Ala (NM_001346813.1); short protein forms T1581A, T1652A, T1692A, T1722A, T1735A, T1775A, T942A.
Identifiers: ClinVar variation 2580987 (VCV002580987.1), dbSNP rs2538726732, ClinGen allele CA366244044.